The following is an entry in ClinVar:

NM_015189.3(EXOC6B):c.1210C>A (p.Leu404Ile)

Gene: EXOC6B (exocyst complex component 6B; minus strand). Cytogenetic location: 2p13.2.
Variant type: single nucleotide variant.
Coding change: c.1210C>A on transcript NM_015189.3 (MANE Select); coding-DNA position 1210, C replaced by A.
Protein change: p.Leu404Ile; replaces leucine 404 with isoleucine.
Molecular consequence: missense variant. On other transcripts: non-coding transcript variant (2).
Genome position (GRCh38, 1-based): chr2:72,499,930, G>T on the plus strand (C>A on the coding strand, the complement: EXOC6B is on the minus strand). VCF-style: chr2-72499930-G-T. GRCh37 (hg19) VCF-style: chr2-72727059-G-T.
Other names: c.1210C>A, p.Leu404Ile (NM_001321730.2, NM_001321731.2, NM_001321733.2 and 1 more transcripts); c.871C>A, p.Leu291Ile (NM_001321734.2); short protein forms L291I, L404I.
Identifiers: ClinVar variation 1720375 (VCV001720375.5), dbSNP rs2467755533, ClinGen allele CA347430000.

ClinVar aggregate classification (germline): Uncertain significance (1 of 4 stars; one submission).

Submission:

Labcorp Genetics (formerly Invitae), Labcorp
Classification: Uncertain significance. Last evaluated: 2022-09-26. Review status: criteria provided, single submitter. Criteria: Invitae Variant Classification Sherloc (09022015). Collection method: clinical testing. Allele origin: germline.
Comment: This sequence change replaces leucine, which is neutral and non-polar, with isoleucine, which is neutral and non-polar, at codon 404 of the EXOC6B protein (p.Leu404Ile). This variant is not present in population databases (gnomAD no frequency). This variant has not been reported in the literature in individuals affected with EXOC6B-related conditions. Experimental studies and prediction algorithms are not available or were not evaluated, and the functional significance of this variant is currently unknown. In summary, the available evidence is currently insufficient to determine the role of this variant in disease. Therefore, it has been classified as a Variant of Uncertain Significance.